The following is an entry in ClinVar:

ClinVar aggregate classification (germline): Likely pathogenic (1 of 4 stars; one submission).

Conditions:
Primary ciliary dyskinesia. Also called: Ciliary dyskinesia. Identifiers: Orphanet 244, MedGen C0008780, MONDO:0016575, HP:0012265.

Submission:

Department of Human Genetics, Hannover Medical School
Classification: Likely pathogenic for Primary Ciliary Dyskinesia. Last evaluated: 2026-04-01. Review status: criteria provided, single submitter. Criteria: ACMG Guidelines, 2015. Collection method: research. Allele origin: germline. Affected: no.
Comment: Classification performed by HerediClassify using the following criteria:['PM2_supporting: Variant occures does not occur as homozygous in gnomAD.', 'PVS1_splicing_very_strong: Transcript ENST00000357162 undergoes NMD.']

NM_152564.5(VPS13B):c.9331-2_9332del

Gene: VPS13B (vacuolar protein sorting 13 homolog B; plus strand). Cytogenetic location: 8q22.2.
Variant type: Deletion.
Coding change: c.9331-2_9332del on transcript NM_152564.5 (MANE Select); the canonical splice acceptor site of the intron before coding-DNA position 9331 through coding-DNA position 9332, 4 bases deleted (AGTA; older notation c.9331-2_9332delAGTA).
Molecular consequence: splice acceptor variant.
Genome position (GRCh38, 1-based): chr8:99,832,367-99,832,370, AGTA deleted. VCF-style (leftmost placement, unchanged base first): chr8-99832366-TAGTA-T. GRCh37 (hg19) VCF-style: chr8-100844594-TAGTA-T.
Other names: c.9406-2_9407del (NM_017890.5).
Identifiers: ClinVar variation 4880152 (VCV004880152.1).
Genomic context (GRCh38, chr8:99,832,366, plus strand): 5'-TTCTGCTGTATTACTGTAGCTAATGTGCTCTCTGCATTTTTTTTTTTTTTTTTTTTTTTT[TAGTA>T]TTTTCGTGTTCCAGACAGTGCTACTTTTAGCATTTGCCCAGGTGGAGAGCAGCCTGCTAT-3'